The following is an entry in ClinVar:

ClinVar aggregate classification (germline): Conflicting classifications of pathogenicity. Review status: criteria provided, conflicting classifications (1 of 4 stars). 6 submissions from 6 submitters: Uncertain significance (2); Likely benign (2). 2 of the submissions do not count toward it. Last evaluated 2026-06-03.

Conditions:
TTN-related disorder. Also called: TTN-related condition; TTN-related disease; TTN-related disorders.
Cardiovascular phenotype. Identifiers: MedGen CN230736.

Allele frequency attached by ClinVar (database versions not stated): ExAC 0.00003; gnomAD exomes 0.00003; gnomAD 0.00011 and 0.00012; TOPMed 0.00016; ESP Exome Variant Server 0.00024.
gnomAD v4.1: 41 of 1,613,726 alleles (0.0025%); highest among the groups gnomAD compares: African/African-American, 0.055%; no homozygotes.

Submissions (6):

PreventionGenetics, part of Exact Sciences
Classification: Uncertain significance for TTN-related condition. Last evaluated: 2026-06-03. Review status: criteria provided, single submitter. Criteria: ACMG Guidelines, 2015. Collection method: clinical testing. Allele origin: germline.
Comment: The TTN c.92402C>T variant is predicted to result in the amino acid substitution p.Ala30801Val. To our knowledge, this variant has not been reported in the literature. This variant is reported in 0.037% of alleles in individuals of African descent in gnomAD. At this time, the clinical significance of this variant is uncertain due to the absence of conclusive functional and genetic evidence.

Ambry Genetics
Classification: Likely benign for Cardiovascular phenotype. Last evaluated: 2020-08-04. Review status: criteria provided, single submitter. Criteria: Ambry Variant Classification Scheme 2023. Collection method: clinical testing. Allele origin: germline.

GeneDx
Classification: Likely benign. Last evaluated: 2019-10-29. Review status: criteria provided, single submitter. Criteria: GeneDx Variant Classification Process June 2021. Collection method: clinical testing. Allele origin: germline. Affected: yes.

Eurofins Ntd Llc (ga)
Classification: Uncertain significance. Last evaluated: 2015-08-28. Review status: criteria provided, single submitter. Criteria: EGL Classification Definitions 2015. Collection method: clinical testing. Allele origin: germline. Observed: 1 variant allele, 1 heterozygote.

Clinical Genetics DNA and cytogenetics Diagnostics Lab, Erasmus MC, Erasmus Medical Center
Classification: Uncertain significance. Review status: no assertion criteria provided. Collection method: clinical testing. Allele origin: germline. Affected: yes. Study: VKGL Data-share Consensus. Not counted in ClinVar's aggregate classification.

Clinical Genetics, Academic Medical Center
Classification: Uncertain significance. Review status: no assertion criteria provided. Collection method: clinical testing. Allele origin: germline. Affected: yes. Study: VKGL Data-share Consensus. Not counted in ClinVar's aggregate classification.

NM_001267550.2(TTN):c.92402C>T (p.Ala30801Val)

Genes: TTN (titin; minus strand), TTN-AS1 (TTN antisense RNA 1; plus strand). Cytogenetic location: 2q31.2.
Variant type: single nucleotide variant.
Coding change: c.92402C>T on transcript NM_001267550.2 (MANE Select); coding-DNA position 92402, C replaced by T.
Protein change: p.Ala30801Val; replaces alanine 30801 with valine.
Molecular consequence: missense variant.
Genome position (GRCh38, 1-based): chr2:178,549,224, G>A on the plus strand (C>T on the coding strand, the complement: TTN is on the minus strand). VCF-style: chr2-178549224-G-A. GRCh37 (hg19) VCF-style: chr2-179413951-G-A.
Other names: p.A29160V:GCA>GTA; c.87479C>T, p.Ala29160Val (NM_001256850.1); c.65207C>T, p.Ala21736Val (NM_003319.4); c.84698C>T, p.Ala28233Val (NM_133378.4); c.65582C>T, p.Ala21861Val (NM_133432.3); c.65783C>T, p.Ala21928Val (NM_133437.4); short protein forms A29160V, A30801V, A28233V, A21736V, A21861V, A21928V.
Identifiers: ClinVar variation 202988 (VCV000202988.12), dbSNP rs372570504, ClinGen allele CA310902.